The following is an entry in ClinVar:

ClinVar aggregate classification (germline): Uncertain significance. Review status: criteria provided, multiple submitters, no conflicts (2 of 4 stars). 2 submissions from 2 submitters: Uncertain significance (2). Last evaluated 2025-10-23.

Conditions:
Inborn genetic diseases. Identifiers: MedGen C0950123, MeSH D030342.
Peroxisome biogenesis disorder 7A (Zellweger). Also called: Peroxisome biogenesis disorder 7A. Identifiers: Orphanet 912, MedGen C3888385, MONDO:0013938, OMIM 614872.
Peroxisome biogenesis disorder 7B (PBD7B). Identifiers: Orphanet 44, MedGen C3553951, MONDO:0013939, OMIM 614873.

gnomAD v4.1: 10 of 1,577,934 alleles (0.00063%); highest among the groups gnomAD compares: African/African-American, 0.0013%; no homozygotes.

Submissions (2):

Ambry Genetics
Classification: Uncertain significance for Inborn genetic diseases. Last evaluated: 2025-10-23. Review status: criteria provided, single submitter. Criteria: Ambry Variant Classification Scheme 2023. Collection method: clinical testing. Allele origin: germline.

Labcorp Genetics (formerly Invitae), Labcorp
Classification: Uncertain significance for Peroxisome biogenesis disorder 7A (Zellweger); Peroxisome biogenesis disorder 7B. Last evaluated: 2022-01-11. Review status: criteria provided, single submitter. Criteria: Invitae Variant Classification Sherloc (09022015). Collection method: clinical testing. Allele origin: germline.
Comment: This sequence change replaces proline, which is neutral and non-polar, with leucine, which is neutral and non-polar, at codon 24 of the PEX26 protein (p.Pro24Leu). The frequency data for this variant in the population databases is considered unreliable, as metrics indicate poor data quality at this position in the gnomAD database. This variant has not been reported in the literature in individuals affected with PEX26-related conditions. ClinVar contains an entry for this variant (Variation ID: 1042116). Algorithms developed to predict the effect of missense changes on protein structure and function are either unavailable or do not agree on the potential impact of this missense change (SIFT: "Tolerated"; PolyPhen-2: "Probably Damaging"; Align-GVGD: "Class C0"). In summary, the available evidence is currently insufficient to determine the role of this variant in disease. Therefore, it has been classified as a Variant of Uncertain Significance.

NM_001127649.3(PEX26):c.71C>T (p.Pro24Leu)

Gene: PEX26 (peroxisomal biogenesis factor 26; plus strand). Cytogenetic location: 22q11.21.
Variant type: single nucleotide variant.
Coding change: c.71C>T on transcript NM_001127649.3 (MANE Select); coding-DNA position 71, C replaced by T.
Protein change: p.Pro24Leu; replaces proline 24 with leucine.
Molecular consequence: missense variant.
Genome position (GRCh38, 1-based): chr22:18,078,447, C>T. VCF-style: chr22-18078447-C-T. GRCh37 (hg19) VCF-style: chr22-18561213-C-T.
Other names: c.71C>T (NM_017929.5); c.71C>T, p.Pro24Leu (NM_001199319.2, NM_017929.6); short protein forms P24L.
Identifiers: ClinVar variation 1042116 (VCV001042116.8), dbSNP rs771847925, ClinGen allele CA10093214.